The following is an entry in ClinVar:

NM_145239.3(PRRT2):c.1011C>T (p.Gly337=)

Genes: MVP-DT (MVP divergent transcript; minus strand), PRRT2 (proline rich transmembrane protein 2; plus strand). Cytogenetic location: 16p11.2.
Variant type: single nucleotide variant.
Coding change: c.1011C>T on transcript NM_145239.3 (MANE Select); coding-DNA position 1011, C replaced by T.
Protein change: p.Gly337=; no amino-acid change (glycine 337 retained).
Molecular consequence: synonymous variant. On other transcripts: 3 prime UTR variant (1).
Genome position (GRCh38, 1-based): chr16:29,814,464, C>T. VCF-style: chr16-29814464-C-T. GRCh37 (hg19) VCF-style: chr16-29825785-C-T.
Other names: c.1011C>T, p.Gly337= (NM_001256442.2); c.*510C>T (NM_001256443.2).
Identifiers: ClinVar variation 372477 (VCV000372477.13), dbSNP rs745970212, ClinGen allele CA7994641.

ClinVar aggregate classification (germline): Conflicting classifications of pathogenicity. Review status: criteria provided, conflicting classifications (1 of 4 stars). 3 submissions from 3 submitters: Pathogenic (2); Uncertain significance (1). Last evaluated 2024-11-15.

Conditions:
Episodic kinesigenic dyskinesia (EKD). Also called: Paroxysmal kinesigenic dyskinesia. Identifiers: Orphanet 98809, MedGen C1868682, MONDO:0044202.
Episodic kinesigenic dyskinesia 1 (EKD1). Also called: DYSTONIA, FAMILIAL PAROXYSMAL; PRRT2-Related Paroxysmal Kinesigenic Dyskinesia (PKD); PAROXYSMAL KINESIGENIC CHOREOATHETOSIS; Dystonia 10; PxMD-PRRT2. Identifiers: Orphanet 98809, MedGen C4552000, MONDO:0100352, OMIM 128200, MONDO:0007494.

Allele frequency attached by ClinVar (database versions not stated): gnomAD exomes 0.00001 and 0.00003; ExAC 0.00002; TOPMed 0.00001.
gnomAD v4.1: 36 of 1,603,076 alleles (0.0022%); highest among the groups gnomAD compares: Non-Finnish European, 0.0031%; no homozygotes.

Submissions (3):

Labcorp Genetics (formerly Invitae), Labcorp
Classification: Pathogenic for Episodic kinesigenic dyskinesia. Last evaluated: 2024-11-15. Review status: criteria provided, single submitter. Criteria: Invitae Variant Classification Sherloc (09022015). Collection method: clinical testing. Allele origin: germline.
Comment: This sequence change affects codon 337 of the PRRT2 mRNA. It is a 'silent' change, meaning that it does not change the encoded amino acid sequence of the PRRT2 protein. It affects a nucleotide within the consensus splice site. This variant is present in population databases (rs745970212, gnomAD 0.002%). This variant has been observed in individual(s) with clinical features of PRRT2-related conditions (PMID: 22209761, 23077024, 23456995, 26598494; internal data). In at least one individual the variant was observed to be de novo. ClinVar contains an entry for this variant (Variation ID: 372477). Algorithms developed to predict the effect of sequence changes on RNA splicing suggest that this variant is not likely to affect RNA splicing. For these reasons, this variant has been classified as Pathogenic.

Mendelics
Classification: Pathogenic for Episodic kinesigenic dyskinesia 1. Last evaluated: 2022-05-04. Review status: criteria provided, single submitter. Criteria: Mendelics Assertion Criteria 2019. Collection method: clinical testing. Allele origin: germline.

GeneDx
Classification: Uncertain significance. Last evaluated: 2016-12-12. Review status: criteria provided, single submitter. Criteria: GeneDx Variant Classification (06012015). Collection method: clinical testing. Allele origin: germline. Affected: yes.
Comment: A variant of uncertain significance has been identified in the PRRT2 gene. The c.1011 C>T variant has been published previously as a splice site variant in association with PKD (Gardiner et al., 2012; Liu et al., 2012; Gardiner et al., 2015). However, no familial segregation or functional studies were reported in these publications, and in silico analysis predicts this variant does not affect splicing. c.1011 C>T is a synonymous variant and does not result in a change to the PRRT2 protein. The variant was not observed at any significant frequency in approximately 6,500 individuals of European and African American ancestry in the NHLBI Exome Sequencing Project, indicating it is not a common benign variant in these populations. This variant occurs at a position that is conserved in mammals. Therefore, based on the currently available information, it is unclear whether this variant is a pathogenic variant or a rare benign variant.

Literature cited by the submitters: PubMed 22209761 (cited by Labcorp Genetics (formerly Invitae), Labcorp); PubMed 23077024 (cited by Labcorp Genetics (formerly Invitae), Labcorp); PubMed 23456995 (cited by Labcorp Genetics (formerly Invitae), Labcorp); PubMed 26598494 (cited by Labcorp Genetics (formerly Invitae), Labcorp).